The following is an entry in ClinVar:

ClinVar aggregate classification (germline): Likely benign (1 of 4 stars; one submission).

Submission:

CeGaT Center for Human Genetics Tuebingen
Classification: Likely benign. Last evaluated: 2025-02-01. Review status: criteria provided, single submitter. Criteria: CeGaT Center For Human Genetics Tuebingen Variant Classification Criteria Version 2. Collection method: clinical testing. Allele origin: germline. Affected: yes. Observed: 1 variant allele.
Comment: KRTAP1-5: BP4, BP7

NM_031957.2(KRTAP1-5):c.153A>C (p.Ser51=)

Gene: KRTAP1-5 (keratin associated protein 1-5; minus strand). Cytogenetic location: 17q21.2.
Variant type: single nucleotide variant.
Coding change: c.153A>C on transcript NM_031957.2 (MANE Select); coding-DNA position 153, A replaced by C.
Protein change: p.Ser51=; no amino-acid change (serine 51 retained).
Molecular consequence: synonymous variant.
Genome position (GRCh38, 1-based): chr17:41,027,003, T>G on the plus strand (A>C on the coding strand, the complement: KRTAP1-5 is on the minus strand). VCF-style: chr17-41027003-T-G. GRCh37 (hg19) VCF-style: chr17-39183255-T-G.
Identifiers: ClinVar variation 3771258 (VCV003771258.13).